The following is an entry in ClinVar:

NM_004370.6(COL12A1):c.8459C>T (p.Pro2820Leu)

Gene: COL12A1 (collagen type XII alpha 1 chain; minus strand). Cytogenetic location: 6q13.
Variant type: single nucleotide variant.
Coding change: c.8459C>T on transcript NM_004370.6 (MANE Select); coding-DNA position 8459, C replaced by T.
Protein change: p.Pro2820Leu; replaces proline 2820 with leucine.
Molecular consequence: missense variant.
Genome position (GRCh38, 1-based): chr6:75,102,009, G>A on the plus strand (C>T on the coding strand, the complement: COL12A1 is on the minus strand). VCF-style: chr6-75102009-G-A. GRCh37 (hg19) VCF-style: chr6-75811725-G-A.
Other names: c.4967C>T, p.Pro1656Leu (NM_080645.3); short protein forms P2820L, P1656L.
Identifiers: ClinVar variation 546321 (VCV000546321.4), dbSNP rs1554168325, ClinGen allele CA364739186.

ClinVar aggregate classification (germline): Uncertain significance (1 of 4 stars; one submission).

Allele frequency attached by ClinVar (database versions not stated): gnomAD exomes below 0.00001.
gnomAD v4.1: 1 of 1,614,144 alleles (0.000062%); highest among the groups gnomAD compares: Non-Finnish European, 0.000085%; no homozygotes.

Submission:

GeneDx
Classification: Uncertain significance. Last evaluated: 2022-04-18. Review status: criteria provided, single submitter. Criteria: GeneDx Variant Classification Process June 2021. Collection method: clinical testing. Allele origin: germline. Affected: yes.
Comment: Not observed at significant frequency in large population cohorts (gnomAD); In silico analysis supports that this missense variant has a deleterious effect on protein structure/function; Has not been previously published as pathogenic or benign to our knowledge